The following is an entry in ClinVar:

NM_001308093.3(GATA4):c.879C>G (p.Cys293Trp)

Gene: GATA4 (GATA binding protein 4). Cytogenetic location: 8p23.1.
Variant type: single nucleotide variant.
Coding change: c.879C>G on transcript NM_001308093.3 (MANE Select); coding-DNA position 879, C replaced by G.
Protein change: p.Cys293Trp; replaces cysteine 293 with tryptophan.
Molecular consequence: missense variant. On other transcripts: intron variant (1).
Genome position (GRCh38, 1-based): chr8:11,750,203, C>G. VCF-style: chr8-11750203-C-G. GRCh37 (hg19) VCF-style: chr8-11607712-C-G.
Other names: c.258C>G, p.Cys86Trp (NM_001308094.2, NM_001374273.1); c.876C>G, p.Cys292Trp (NM_002052.5); c.165+1118C>G (NM_001374274.1); short protein forms C292W, C293W, C86W.
Identifiers: ClinVar variation 1473702 (VCV001473702.6), dbSNP rs2130313407, ClinGen allele CA370313091.

ClinVar aggregate classification (germline): Likely pathogenic (1 of 4 stars; one submission).

Conditions:
Atrioventricular septal defect 4 (AVSD4). Identifiers: MedGen C3280781, MONDO:0013747, OMIM 614430.

Submission:

Labcorp Genetics (formerly Invitae), Labcorp
Classification: Likely pathogenic for Atrioventricular septal defect 4. Last evaluated: 2021-12-04. Review status: criteria provided, single submitter. Criteria: Invitae Variant Classification Sherloc (09022015). Collection method: clinical testing. Allele origin: germline.
Comment: This sequence change replaces cysteine, which is neutral and slightly polar, with tryptophan, which is neutral and slightly polar, at codon 292 of the GATA4 protein (p.Cys292Trp). This variant is not present in population databases (gnomAD no frequency). This missense change has been observed in individual(s) with clinical features of GATA4-related conditions (Invitae). In at least one individual the variant was observed to be de novo. Algorithms developed to predict the effect of missense changes on protein structure and function are either unavailable or do not agree on the potential impact of this missense change (SIFT: "Deleterious"; PolyPhen-2: "Probably Damaging"; Align-GVGD: "Class C0"). In summary, the currently available evidence indicates that the variant is pathogenic, but additional data are needed to prove that conclusively. Therefore, this variant has been classified as Likely Pathogenic.